The following is an entry in ClinVar:

ClinVar aggregate classification (germline): Likely pathogenic (1 of 4 stars; one submission).

Submission:

Labcorp Genetics (formerly Invitae), Labcorp
Classification: Likely pathogenic. Last evaluated: 2023-03-14. Review status: criteria provided, single submitter. Criteria: Invitae Variant Classification Sherloc (09022015). Collection method: clinical testing. Allele origin: unknown.
Comment: In summary, the currently available evidence indicates that the variant is pathogenic, but additional data are needed to prove that conclusively. Therefore, this variant has been classified as Likely Pathogenic. This variant has not been reported in the literature in individuals affected with TBCK-related conditions. This variant results in a copy number gain of the genomic region encompassing exon(s) 4-22 of the TBCK gene. While the exact position of this variant cannot be determined from the data, sub-genic copy number gains are generally in tandem (PMID: 25640679). This variant is predicted to be out-of-frame, and may result in an absent or disrupted protein product. Loss-of-function variants in TBCK are known to be pathogenic (PMID: 27040692, 30103036).

Literature cited by the submitters: PubMed 25640679; PubMed 27040692; PubMed 30103036.

NC_000004.11:g.(?_107114746)_(107183389_?)dup

Gene: TBCK (TBC1 domain containing kinase; minus strand). Cytogenetic location: 4q24.
Variant type: Duplication.
Identifiers: ClinVar variation 3246723 (VCV003246723.1).